The following is an entry in ClinVar:

NM_001004356.3(FGFRL1):c.617_618del (p.Leu206fs)

Gene: FGFRL1 (fibroblast growth factor receptor like 1; plus strand). Cytogenetic location: 4p16.3.
Variant type: Deletion.
Coding change: c.617_618del on transcript NM_001004356.3 (MANE Select); coding-DNA positions 617 to 618, 2 bases deleted (TG; older notation c.617_618delTG).
Protein change: p.Leu206fs; shifts the reading frame from leucine 206.
Molecular consequence: frameshift variant.
Genome position (GRCh38, 1-based): chr4:1,024,000-1,024,001, TG deleted. VCF-style (leftmost placement, unchanged base first): chr4-1023999-CTG-C. GRCh37 (hg19) VCF-style: chr4-1017787-CTG-C.
Other names: c.617_618del, p.Leu206fs (NM_001004358.1, NM_001370296.1, NM_021923.3); short protein forms L206fs.
Identifiers: ClinVar variation 3651844 (VCV003651844.2).

ClinVar aggregate classification (germline): Uncertain significance (1 of 4 stars; one submission).

Submission:

Labcorp Genetics (formerly Invitae), Labcorp
Classification: Uncertain significance. Last evaluated: 2024-05-02. Review status: criteria provided, single submitter. Criteria: Invitae Variant Classification Sherloc (09022015). Collection method: clinical testing. Allele origin: germline.
Comment: This sequence change creates a premature translational stop signal (p.Leu206Glnfs*104) in the FGFRL1 gene. It is expected to result in an absent or disrupted protein product. However, the current clinical and genetic evidence is not sufficient to establish whether loss-of-function variants in FGFRL1 cause disease. This variant is not present in population databases (gnomAD no frequency). This variant has not been reported in the literature in individuals affected with FGFRL1-related conditions. In summary, the available evidence is currently insufficient to determine the role of this variant in disease. Therefore, it has been classified as a Variant of Uncertain Significance.